The following is an entry in ClinVar:

ClinVar aggregate classification (germline): Uncertain significance (1 of 4 stars; one submission).

gnomAD v4.1: 1 of 1,613,598 alleles (0.000062%); highest among the groups gnomAD compares: East Asian, 0.0022%; no homozygotes.

Submission:

Labcorp Genetics (formerly Invitae), Labcorp
Classification: Uncertain significance. Last evaluated: 2022-07-19. Review status: criteria provided, single submitter. Criteria: Invitae Variant Classification Sherloc (09022015). Collection method: clinical testing. Allele origin: germline.
Comment: In summary, the available evidence is currently insufficient to determine the role of this variant in disease. Therefore, it has been classified as a Variant of Uncertain Significance. Algorithms developed to predict the effect of sequence changes on RNA splicing suggest that this variant may create or strengthen a splice site. Algorithms developed to predict the effect of missense changes on protein structure and function are either unavailable or do not agree on the potential impact of this missense change (SIFT: "Tolerated"; PolyPhen-2: "Probably Damaging"; Align-GVGD: "Class C15"). ClinVar contains an entry for this variant (Variation ID: 1389229). This variant has not been reported in the literature in individuals affected with MCM3AP-related conditions. The frequency data for this variant in the population databases is considered unreliable, as metrics indicate poor data quality at this position in the gnomAD database. This sequence change replaces arginine, which is basic and polar, with serine, which is neutral and polar, at codon 1204 of the MCM3AP protein (p.Arg1204Ser).

NM_003906.5(MCM3AP):c.3610C>A (p.Arg1204Ser)

Gene: MCM3AP (minichromosome maintenance complex component 3 associated protein; minus strand). Cytogenetic location: 21q22.3.
Variant type: single nucleotide variant.
Coding change: c.3610C>A on transcript NM_003906.5 (MANE Select); coding-DNA position 3610, C replaced by A.
Protein change: p.Arg1204Ser; replaces arginine 1204 with serine.
Molecular consequence: missense variant.
Genome position (GRCh38, 1-based): chr21:46,259,063, G>T on the plus strand (C>A on the coding strand, the complement: MCM3AP is on the minus strand). VCF-style: chr21-46259063-G-T. GRCh37 (hg19) VCF-style: chr21-47678977-G-T.
Other names: short protein forms R1204S.
Identifiers: ClinVar variation 1389229 (VCV001389229.6), dbSNP rs769780927, ClinGen allele CA410552951.